The following is an entry in ClinVar:

NM_000038.6(APC):c.845del (p.Thr282fs)

Gene: APC (APC regulator of Wnt signaling pathway; plus strand). Cytogenetic location: 5q22.2.
Variant type: Deletion.
Coding change: c.845del on transcript NM_000038.6 (MANE Select); coding-DNA position 845, one base deleted (C; older notation c.845delC).
Protein change: p.Thr282fs; shifts the reading frame from threonine 282.
Molecular consequence: frameshift variant. On other transcripts: 5 prime UTR variant (1).
Genome position (GRCh38, 1-based): chr5:112,815,505, C deleted. VCF-style (leftmost placement, unchanged base first): chr5-112815504-AC-A. GRCh37 (hg19) VCF-style: chr5-112151201-AC-A.
Other names: c.845del, p.Thr282fs (NM_001127510.3, NM_001354895.2, NM_001354896.2 and 1 more transcripts); c.791del, p.Thr264fs (NM_001127511.3); c.875del, p.Thr292fs (NM_001354897.2, NM_001354902.2); c.770del, p.Thr257fs (NM_001354898.2, NM_001354904.2); c.761del, p.Thr254fs (NM_001354899.2); c.668del, p.Thr223fs (NM_001354900.2, NM_001354901.2, NM_001354905.2); c.-5del (NM_001354906.2); short protein forms T223fs, T254fs, T257fs, T264fs, T282fs, T292fs.
Identifiers: ClinVar variation 1069947 (VCV001069947.8), dbSNP rs2149762484, ClinGen allele CA2499217444.
Genomic context (GRCh38, chr5:112,815,504, plus strand): 5'-GTATTTACCTATAGTCTAAATTATACCATCTATAATGTGCTTAATTTTTAGGGTTCAACT[AC>A]ACGAATGGACCATGAAACAGCCAGTGTTTTGAGTTCTAGTAGCACACACTCTGCACCTCG-3'

ClinVar aggregate classification (germline): Pathogenic (1 of 4 stars; one submission).

Conditions:
Familial adenomatous polyposis 1 (FAP1). Also called: FAMILIAL ADENOMATOUS POLYPOSIS 1, ATTENUATED; POLYPOSIS, ADENOMATOUS INTESTINAL. Identifiers: MedGen C2713442, MONDO:0021056, OMIM 175100. Disease mechanism: loss of function.

Submission:

Labcorp Genetics (formerly Invitae), Labcorp
Classification: Pathogenic for Familial adenomatous polyposis 1. Last evaluated: 2020-10-01. Review status: criteria provided, single submitter. Criteria: Invitae Variant Classification Sherloc (09022015). Collection method: clinical testing. Allele origin: germline.
Comment: This sequence change creates a premature translational stop signal (p.Thr282Asnfs*11) in the APC gene. It is expected to result in an absent or disrupted protein product. This variant is not present in population databases (ExAC no frequency). This variant has not been reported in the literature in individuals with APC-related conditions. Loss-of-function variants in APC are known to be pathogenic (PMID: 17963004, 20685668). For these reasons, this variant has been classified as Pathogenic.

Literature cited by the submitters: PubMed 17963004; PubMed 20685668.